The following is an entry in ClinVar:

NM_172245.4(CSF2RA):c.1037T>A (p.Phe346Tyr)

Gene: CSF2RA (colony stimulating factor 2 receptor subunit alpha; plus strand). Cytogenetic location: Xp22.33.
Variant type: single nucleotide variant.
Coding change: c.1037T>A on transcript NM_172245.4 (MANE Select); coding-DNA position 1037, T replaced by A.
Protein change: p.Phe346Tyr; replaces phenylalanine 346 with tyrosine.
Molecular consequence: missense variant. On other transcripts: non-coding transcript variant (1), intron variant (7).
Genome position (GRCh38, 1-based): chrX:1,304,013, T>A. VCF-style: chrX-1304013-T-A. GRCh37 (hg19) VCF-style: chrX-1422906-T-A.
Other names: c.1037T>A, p.Phe346Tyr (NM_001161529.2, NM_001161531.2, NM_001379155.1 and 9 more transcripts); c.1139T>A, p.Phe380Tyr (NM_001161530.2, NM_001379153.1, NM_001379154.1); c.638T>A, p.Phe213Tyr (NM_001161532.2); c.1007T>A, p.Phe336Tyr (NM_001379160.1); c.947-1433T>A (NM_001379167.1, NM_001379169.1, NM_172247.3 and 1 more transcripts); c.946+3387T>A (NM_172246.4); c.647-1433T>A (NM_172249.4); c.855-1433T>A (NM_001379166.1); short protein forms F380Y, F213Y, F336Y, F346Y.
Identifiers: ClinVar variation 1500722 (VCV001500722.4), dbSNP rs758219814, ClinGen allele CA412236950.

ClinVar aggregate classification (germline): Uncertain significance (1 of 4 stars; one submission).

Conditions:
Surfactant metabolism dysfunction, pulmonary, 4 (SMDP4). Also called: PAP DUE TO CSF2RA DEFICIENCY; PULMONARY ALVEOLAR PROTEINOSIS, CONGENITAL, 4; CSF2RA DEFICIENCY. Identifiers: Orphanet 264675, MedGen C2677877, MONDO:0010424, OMIM 300770.

Allele frequency attached by ClinVar (database versions not stated): TOPMed 0.00002.
gnomAD v4.1: 3 of 1,612,228 alleles (0.00019%); highest among the groups gnomAD compares: Admixed American, 0.005%; no homozygotes.

Submission:

Labcorp Genetics (formerly Invitae), Labcorp
Classification: Uncertain significance for Surfactant metabolism dysfunction, pulmonary, 4. Last evaluated: 2023-04-09. Review status: criteria provided, single submitter. Criteria: Invitae Variant Classification Sherloc (09022015). Collection method: clinical testing. Allele origin: germline.
Comment: In summary, the available evidence is currently insufficient to determine the role of this variant in disease. Therefore, it has been classified as a Variant of Uncertain Significance. Advanced modeling of protein sequence and biophysical properties (such as structural, functional, and spatial information, amino acid conservation, physicochemical variation, residue mobility, and thermodynamic stability) performed at Invitae indicates that this missense variant is not expected to disrupt CSF2RA protein function. ClinVar contains an entry for this variant (Variation ID: 1500722). This variant has not been reported in the literature in individuals affected with CSF2RA-related conditions. This variant is not present in population databases (gnomAD no frequency). This sequence change replaces phenylalanine, which is neutral and non-polar, with tyrosine, which is neutral and polar, at codon 346 of the CSF2RA protein (p.Phe346Tyr).